The following is an entry in ClinVar:

NM_001148.6(ANK2):c.2662C>T (p.Arg888Ter)

Gene: ANK2 (ankyrin 2; plus strand). Cytogenetic location: 4q26.
Variant type: single nucleotide variant.
Coding change: c.2662C>T on transcript NM_001148.6 (MANE Select); coding-DNA position 2662, C replaced by T.
Protein change: p.Arg888Ter; replaces arginine 888 with a stop codon.
Molecular consequence: nonsense.
Genome position (GRCh38, 1-based): chr4:113,311,368, C>T. VCF-style: chr4-113311368-C-T. GRCh37 (hg19) VCF-style: chr4-114232524-C-T.
Other names: c.2599C>T, p.Arg867Ter (NM_001127493.3, NM_001354239.2, NM_001354243.2 and 10 more transcripts); c.2662C>T, p.Arg888Ter (NM_001354225.2, NM_001354228.2, NM_001354232.2 and 6 more transcripts); c.2707C>T, p.Arg903Ter (NM_001354230.2, NM_001354231.2, NM_001354237.2 and 5 more transcripts); c.2563C>T, p.Arg855Ter (NM_001354245.2, NM_001354268.2); c.2575C>T, p.Arg859Ter (NM_001354249.2, NM_001354264.2, NM_001354266.2 and 10 more transcripts); c.2500C>T, p.Arg834Ter (NM_001354253.2, NM_001354257.2, NM_001354270.2 and 1 more transcripts); c.2476C>T, p.Arg826Ter (NM_001354260.2, NM_001354271.2, NM_001386151.1); c.2620C>T, p.Arg874Ter (NM_001354261.2, NM_001386147.1, NM_001386160.1); and 9 more; short protein forms R760*, R793*, R818*, R822*, R826*, R834*, R855*, R859*.
Identifiers: ClinVar variation 1334346 (VCV001334346.5), dbSNP rs867072234, ClinGen allele CA103810641.

ClinVar aggregate classification (germline): Pathogenic/Likely pathogenic. Review status: criteria provided, multiple submitters, no conflicts (2 of 4 stars). 2 submissions from 2 submitters: Pathogenic (1); Likely pathogenic (1). Last evaluated 2025-01-30.

Conditions:
ANK2-related disorder. Also called: ANK2-related condition.

Submissions (2):

GeneDx
Classification: Pathogenic. Last evaluated: 2025-01-30. Review status: criteria provided, single submitter. Criteria: GeneDx Variant Classification Process June 2021. Collection method: clinical testing. Allele origin: germline. Affected: yes.
Comment: Nonsense variant predicted to result in protein truncation or nonsense mediated decay in a gene for which loss of function is a known mechanism of disease; Not observed at significant frequency in large population cohorts (gnomAD); Has not been previously published as pathogenic or benign to our knowledge

Blueprint Genetics
Classification: Likely pathogenic for ANK2-related disorders. Last evaluated: 2022-02-17. Review status: criteria provided, single submitter. Criteria: ACMG Guidelines, 2015. Collection method: clinical testing. Allele origin: de novo. Affected: yes. Observed: 1 variant allele.